The following continues an entry in ClinVar:

NM_007294.4(BRCA1):c.4986+4A>T

Gene: BRCA1. ClinVar aggregate classification (germline): Pathogenic/Likely pathogenic. Pathogenic (4); Likely pathogenic (5).

Submissions 8 to 14 of 14:

GeneKor MSA
Classification: Likely pathogenic. Last evaluated: 2020-01-01. Review status: criteria provided, single submitter. Criteria: ACMG Guidelines, 2015. Collection method: clinical testing. Allele origin: germline.
Comment: This sequence change occurs 4 bases after exon 15 of the BRCA1 gene. This position is conserved in the human and other genomes and might be involved in mRNA processing. This variant is expected to result in incorrect splicing, alteration in the reading frame and an absent or truncated protein. This variant is also known as 5105+4A>T and has been described in the literature in at least two families with hereditary breast and ovarian cancer (PMID: 21203900). This sequence change is listed in population databases at very low frequency (rs80358087, <0.1%). The mutation database ClinVar contains entries for this variant (Variation ID: 55342).

Consortium of Investigators of Modifiers of BRCA1/2 (CIMBA), c/o University of Cambridge
Classification: Pathogenic for Breast-ovarian cancer, familial, susceptibility to, 1. Last evaluated: 2015-10-02. Review status: criteria provided, single submitter. Criteria: CIMBA Mutation Classification guidelines May 2016. Collection method: clinical testing. Allele origin: germline.

Counsyl
Classification: Likely pathogenic for Breast-ovarian cancer, familial, susceptibility to, 1. Last evaluated: 2016-05-11. Review status: no assertion criteria provided. Collection method: clinical testing. Allele origin: unknown. Not counted in ClinVar's aggregate classification.

Sharing Clinical Reports Project (SCRP)
Classification: Pathogenic for Breast-ovarian cancer, familial 1. Last evaluated: 2012-10-09. Review status: no assertion criteria provided. Collection method: clinical testing. Allele origin: germline. Not counted in ClinVar's aggregate classification.

Breast Cancer Information Core (BIC) (BRCA1)
Classification: Pathogenic for Breast-ovarian cancer, familial 1. Last evaluated: 2002-05-29. Review status: no assertion criteria provided. Collection method: clinical testing. Allele origin: germline. Affected: yes. Observed: 3 variant alleles. Not counted in ClinVar's aggregate classification.

Brotman Baty Institute, University of Washington
No classification provided (evidence only). Condition: Breast-ovarian cancer, familial 1. Review status: no classification provided. Collection method: in vitro. Allele origin: not applicable. Functional consequence: functionally_abnormal. Not counted in ClinVar's aggregate classification.
ClinVar note: "not provided" was previously submitted as the classification for the variant. However, the classification appeared to be based only on an observation of functional data so it was converted to no classification on 2025-07-30.

Department of Pathology and Laboratory Medicine, Sinai Health System
Classification: Likely pathogenic. Review status: no assertion criteria provided. Collection method: clinical testing. Allele origin: unknown. Affected: yes. Study: The Canadian Open Genetics Repository (COGR). Not counted in ClinVar's aggregate classification.
Comment: The BRCA1 c.4986+4A>T variant was identified in 9 of 112430 proband chromosomes (frequency: 0.0001) from individuals or families with breast or ovarian cancer (Judkins 2005, Konecny 2011). The variant was also identified in dbSNP (ID: rs80358087) as "With Likely pathogenic, Pathogenic allele", in ClinVar (classified as likely benign by GeneDx, Counsyl, Ambry Genetics, Invitae, GeneKor MSA; as pathogenic by CIMBA, Integrated Genetics/Laboratory Corporation of America, SCRP, BIC), LOVD 3.0 (4x conflicting interpretations of pathogeny), BIC Database (3x with clinical importance), and ARUP Laboratories (class 5 - definitely pathogenic), databases. The variant was not identified in GeneInsight-COGR, UMD-LSDB, or in the Zhejiang University Database. The variant was not identified in the following control databases: the 1000 Genomes Project, the NHLBI GO Exome Sequencing Project, or the Genome Aggregation Database (Feb 27, 2017). The c.4986+4A>T variant is located in the 5' splice region but does not affect the invariant +1 and +2 positions. However, positions +3 to +6 are part of the splicing consensus sequence and variants involving these positions sometimes affect splicing. In addition, 5 of 5 in silico or computational prediction software programs (SpliceSiteFinder, MaxEntScan, NNSPLICE, GeneSplicer, HumanSpliceFinder) predict a greater than 10% difference in splicing. Several studies identified different nucleotides change at the same nucleotide position (c.4986+4A>G and c.4986+4A>C) (Wappenschmidt 2012, Meisel 2014). The c.4986+4A>G alteration create an aberrant transcript, which incorporates 65 intronic sequences following exon 16, and creates a stop codon at 1676 (p.Met1663ValfsX14) (Wappenschmidt 2012), which may be crucial for normal RNA splicing. In summary, based on the above information the clinical significance of this variant cannot be determined with certainty at this time although we would lean towards a more pathogenic role for this variant. This variant is classified as likely pathogenic.

Literature cited by the submitters: PubMed 10406662 (cited by Ambry Genetics and Quest Diagnostics Nichols Institute San Juan Capistrano); PubMed 16619214 (cited by Ambry Genetics and Quest Diagnostics Nichols Institute San Juan Capistrano); PubMed 18693280 (cited by Ambry Genetics); PubMed 21203900 (cited by 5 submitters); PubMed 23239986 (cited by 5 submitters); PubMed 23451180 (cited by Ambry Genetics and Quest Diagnostics Nichols Institute San Juan Capistrano); PubMed 29446198 (cited by 4 submitters); PubMed 30209399 (cited by 4 submitters); PubMed 35205313 (cited by Ambry Genetics); PubMed 17576681 (cited by Labcorp Genetics (formerly Invitae), Labcorp); PubMed 9536098 (cited by Labcorp Genetics (formerly Invitae), Labcorp); PubMed 25281711 (cited by Labcorp Genetics (formerly Invitae), Labcorp); PubMed 16267036 (cited by Quest Diagnostics Nichols Institute San Juan Capistrano and Women's Health and Genetics/Laboratory Corporation of America, LabCorp); PubMed 21523855 (cited by Women's Health and Genetics/Laboratory Corporation of America, LabCorp).